The following is an entry in ClinVar:

NM_001130144.3(LTBP3):c.3599G>A (p.Ser1200Asn)

Gene: LTBP3 (latent transforming growth factor beta binding protein 3; minus strand). Cytogenetic location: 11q13.1.
Variant type: single nucleotide variant.
Coding change: c.3599G>A on transcript NM_001130144.3 (MANE Select); coding-DNA position 3599, G replaced by A.
Protein change: p.Ser1200Asn; replaces serine 1200 with asparagine.
Molecular consequence: missense variant.
Genome position (GRCh38, 1-based): chr11:65,539,577, C>T on the plus strand (G>A on the coding strand, the complement: LTBP3 is on the minus strand). VCF-style: chr11-65539577-C-T. GRCh37 (hg19) VCF-style: chr11-65307048-C-T.
Other names: c.3599G>A (NM_001130144.2); c.3107G>A, p.Ser1036Asn (NM_001164266.1); c.3458G>A, p.Ser1153Asn (NM_021070.4); short protein forms S1036N, S1153N, S1200N.
Identifiers: ClinVar variation 1103610 (VCV001103610.13), dbSNP rs150273175, ClinGen allele CA6100236.
Genomic context (GRCh38, chr11:65,539,577, plus strand): 5'-CCCCGCCACCGCCCGACCCGGCAGCACTCACCTCTTGGGGGCTTCCCCAACAGCAGGGGG[C>T]TTGTGTCCCAGAAGGAATTGCTCTCGCTCTGCGATGTCGGGCAATGGGACCCTGGGAGGA-3'
Protein context (NP_001123616.1, residues 1190-1210): QSESNSFWDT[Ser1200Asn]PLLLGKPPRD

ClinVar aggregate classification (germline): Likely benign. Review status: criteria provided, single submitter (1 of 4 stars). 2 submissions from 2 submitters: Likely benign (1). 1 of the submissions does not count toward it. Last evaluated 2026-01-19.

Conditions:
Brachyolmia-amelogenesis imperfecta syndrome. Also called: Tooth agenesis, selective, 6; Dental anomalies and short stature; PLATYSPONDYLY WITH AMELOGENESIS IMPERFECTA. Identifiers: Orphanet 2899, MedGen C1832594, MONDO:0011018, OMIM 601216. Disease mechanism: loss of function.
LTBP3-related disorder. Also called: LTBP3-related condition.

Allele frequency attached by ClinVar (database versions not stated): gnomAD exomes 0.00013 and 0.00030; ExAC 0.00041; ESP Exome Variant Server 0.00100; gnomAD 0.00148 and 0.00162; TOPMed 0.00171; 1000 Genomes Project 0.00200; 1000 Genomes Project 30x 0.00219.
gnomAD v4.1: 421 of 1,612,846 alleles (0.026%); highest among the groups gnomAD compares: African/African-American, 0.47%; no homozygotes.

Submissions (2):

Labcorp Genetics (formerly Invitae), Labcorp
Classification: Likely benign for Brachyolmia-amelogenesis imperfecta syndrome. Last evaluated: 2026-01-19. Review status: criteria provided, single submitter. Criteria: Invitae Variant Classification Sherloc (09022015). Collection method: clinical testing. Allele origin: germline.

PreventionGenetics, part of Exact Sciences
Classification: Likely benign for LTBP3-related condition. Last evaluated: 2019-07-15. Review status: no assertion criteria provided. Collection method: clinical testing. Allele origin: germline. Not counted in ClinVar's aggregate classification.
Comment: This variant is classified as likely benign based on ACMG/AMP sequence variant interpretation guidelines (Richards et al. 2015 PMID: 25741868, with internal and published modifications).